The following is an entry in ClinVar:

NM_006912.6(RIT1):c.58C>T (p.Arg20Trp)

Gene: RIT1 (Ras like without CAAX 1; minus strand). Cytogenetic location: 1q22.
Variant type: single nucleotide variant.
Coding change: c.58C>T on transcript NM_006912.6 (MANE Select); coding-DNA position 58, C replaced by T.
Protein change: p.Arg20Trp; replaces arginine 20 with tryptophan.
Molecular consequence: missense variant. On other transcripts: intron variant (1).
Genome position (GRCh38, 1-based): chr1:155,910,704, G>A on the plus strand (C>T on the coding strand, the complement: RIT1 is on the minus strand). VCF-style: chr1-155910704-G-A. GRCh37 (hg19) VCF-style: chr1-155880495-G-A.
Other names: c.109C>T, p.Arg37Trp (NM_001256821.2); c.-2-198C>T (NM_001256820.2); short protein forms R37W, R20W.
Identifiers: ClinVar variation 3433824 (VCV003433824.1).
Genomic context (GRCh38, chr1:155,910,704, plus strand): 5'-AATGTTACCTACCACTCTTCCCTACACCACCAGCACCCAGCATCACTAGTTTGTACTCCC[G>A]TGAGAGCCCAGCGGGGCTGCTACAGCAGCTACCAACTGGGCGAGTTCCAGAATCCATTGT-3'
Protein context (NP_008843.1, residues 10-30): SCCSSPAGLS[Arg20Trp]EYKLVMLGAG

ClinVar aggregate classification (germline): Uncertain significance (1 of 4 stars; one submission).

Conditions:
Cardiovascular phenotype. Identifiers: MedGen CN230736.

Submission:

Ambry Genetics
Classification: Uncertain significance for Cardiovascular phenotype. Last evaluated: 2024-08-03. Review status: criteria provided, single submitter. Criteria: Ambry Variant Classification Scheme 2023. Collection method: clinical testing. Allele origin: germline.
Comment: The p.R20W variant (also known as c.58C>T), located in coding exon 1 of the RIT1 gene, results from a C to T substitution at nucleotide position 58. The arginine at codon 20 is replaced by tryptophan, an amino acid with dissimilar properties. This amino acid position is conserved. In addition, the in silico prediction for this alteration is inconclusive. Based on the available evidence, the clinical significance of this variant remains unclear.